The following is an entry in ClinVar:

ClinVar aggregate classification (germline): Uncertain significance (1 of 4 stars; one submission).

Conditions:
Primary ciliary dyskinesia. Also called: Ciliary dyskinesia. Identifiers: Orphanet 244, MedGen C0008780, MONDO:0016575, HP:0012265.

Allele frequency attached by ClinVar (database versions not stated): gnomAD exomes below 0.00001; gnomAD 0.00001.
gnomAD v4.1: 2 of 1,319,288 alleles (0.00015%); highest among the groups gnomAD compares: African/African-American, 0.0015%; no homozygotes.

Submission:

Ambry Genetics
Classification: Uncertain significance for Primary ciliary dyskinesia. Last evaluated: 2023-03-29. Review status: criteria provided, single submitter. Criteria: Ambry Variant Classification Scheme 2023. Collection method: clinical testing. Allele origin: germline.
Comment: The p.G45S variant (also known as c.133G>A), located in coding exon 1 of the DNAAF5 gene, results from a G to A substitution at nucleotide position 133. The glycine at codon 45 is replaced by serine, an amino acid with similar properties. This amino acid position is conserved. In addition, this alteration is predicted to be tolerated by in silico analysis. Since supporting evidence is limited at this time, the clinical significance of this alteration remains unclear.

NM_017802.4(DNAAF5):c.133G>A (p.Gly45Ser)

Genes: DNAAF5 (dynein axonemal assembly factor 5; plus strand), PRKAR1B (protein kinase cAMP-dependent type I regulatory subunit beta; minus strand), LOC129997730 (ATAC-STARR-seq lymphoblastoid silent region 17816; plus strand). Cytogenetic location: 7p22.3.
Variant type: single nucleotide variant.
Coding change: c.133G>A on transcript NM_017802.4 (MANE Select); coding-DNA position 133, G replaced by A.
Protein change: p.Gly45Ser; replaces glycine 45 with serine.
Molecular consequence: missense variant. On other transcripts: non-coding transcript variant (1), intron variant (3).
Genome position (GRCh38, 1-based): chr7:726,853, G>A. VCF-style: chr7-726853-G-A. GRCh37 (hg19) VCF-style: chr7-766490-G-A.
Other names: c.-23+802C>T (NM_001164759.1); c.-23+737C>T (NM_001164758.2); c.-23+357C>T (NM_001164760.2); short protein forms G45S.
Identifiers: ClinVar variation 2563334 (VCV002563334.2), dbSNP rs1175402641, ClinGen allele CA366529822.